The following is an entry in ClinVar:

NM_172201.2(KCNE2):c.257A>C (p.Gln86Pro)

Genes: KCNE2 (potassium voltage-gated channel subfamily E regulatory subunit 2; plus strand), LOC105372791 (uncharacterized LOC105372791; minus strand). Cytogenetic location: 21q22.11.
Variant type: single nucleotide variant.
Coding change: c.257A>C on transcript NM_172201.2 (MANE Select); coding-DNA position 257, A replaced by C.
Protein change: p.Gln86Pro; replaces glutamine 86 with proline.
Molecular consequence: missense variant. On other transcripts: non-coding transcript variant (2).
Genome position (GRCh38, 1-based): chr21:34,370,735, A>C. VCF-style: chr21-34370735-A-C. GRCh37 (hg19) VCF-style: chr21-35743034-A-C.
Other names: short protein forms Q86P.
Identifiers: ClinVar variation 3532248 (VCV003532248.1).

ClinVar aggregate classification (germline): Uncertain significance (1 of 4 stars; one submission).

Conditions:
Cardiovascular phenotype. Identifiers: MedGen CN230736.

Submission:

Ambry Genetics
Classification: Uncertain significance for Cardiovascular phenotype. Last evaluated: 2024-07-29. Review status: criteria provided, single submitter. Criteria: Ambry Variant Classification Scheme 2023. Collection method: clinical testing. Allele origin: germline.
Comment: The p.Q86P variant (also known as c.257A>C), located in coding exon 1 of the KCNE2 gene, results from an A to C substitution at nucleotide position 257. The glutamine at codon 86 is replaced by proline, an amino acid with similar properties. This amino acid position is conserved. In addition, this alteration is predicted to be deleterious by in silico analysis. Based on the available evidence, the clinical significance of this variant remains unclear.